The following is an entry in ClinVar:

NM_001042492.3(NF1):c.3383G>A (p.Gly1128Asp)

Gene: NF1 (neurofibromin 1; plus strand). Cytogenetic location: 17q11.2.
Variant type: single nucleotide variant.
Coding change: c.3383G>A on transcript NM_001042492.3 (MANE Select); coding-DNA position 3383, G replaced by A.
Protein change: p.Gly1128Asp; replaces glycine 1128 with aspartic acid.
Molecular consequence: missense variant.
Genome position (GRCh38, 1-based): chr17:31,232,768, G>A. VCF-style: chr17-31232768-G-A. GRCh37 (hg19) VCF-style: chr17-29559786-G-A.
Other names: c.3383G>A, p.Gly1128Asp (NM_000267.4); short protein forms G1128D.
Identifiers: ClinVar variation 404530 (VCV000404530.16), dbSNP rs1060500325, ClinGen allele CA16615628.
Genomic context (GRCh38, chr17:31,232,768, plus strand): 5'-CATTATTTATGAACCTTTTGAATGACTGCAGTGAAGTTGAAGATGAAAGTGCGCAAACAG[G>A]TGGCAGGAAACGTGGCATGTCTCGGAGGCTGGCATCACTGAGGCACTGTACGGTCCTTGC-3'
Protein context (NP_001035957.1, residues 1118-1138): SEVEDESAQT[Gly1128Asp]GRKRGMSRRL

ClinVar aggregate classification (germline): Conflicting classifications of pathogenicity. Review status: criteria provided, conflicting classifications (1 of 4 stars). 4 submissions from 4 submitters: Uncertain significance (3); Benign (1). Last evaluated 2025-11-26.

Conditions:
Hereditary cancer-predisposing syndrome. Also called: Tumor predisposition; Neoplastic Syndromes, Hereditary; Hereditary Cancer Syndrome; Hereditary neoplastic syndrome. Identifiers: Orphanet 140162, MedGen C0027672, MeSH D009386, MONDO:0015356.
Cardiovascular phenotype. Identifiers: MedGen CN230736.
Neurofibromatosis, type 1 (NF1). Also called: Neurofibromatosis, type I; NEUROFIBROMATOSIS, TYPE I, SOMATIC; Peripheral type neurofibromatosis; VON RECKLINGHAUSEN DISEASE. Identifiers: Orphanet 636, MedGen C0027831, MONDO:0018975, OMIM 162200. Disease mechanism: loss of function.

gnomAD v4.1: 1 of 1,613,822 alleles (0.000062%); no homozygotes.

Submissions (4):

Labcorp Genetics (formerly Invitae), Labcorp
Classification: Benign for Neurofibromatosis, type 1. Last evaluated: 2025-11-26. Review status: criteria provided, single submitter. Criteria: Invitae Variant Classification Sherloc (09022015). Collection method: clinical testing. Allele origin: germline.

Ambry Genetics
Classification: Uncertain significance for Cardiovascular phenotype; Hereditary cancer-predisposing syndrome. Last evaluated: 2025-04-14. Review status: criteria provided, single submitter. Criteria: Ambry Variant Classification Scheme 2023. Collection method: clinical testing. Allele origin: germline.
Comment: The p.G1128D variant (also known as c.3383G>A), located in coding exon 26 of the NF1 gene, results from a G to A substitution at nucleotide position 3383. The glycine at codon 1128 is replaced by aspartic acid, an amino acid with similar properties. This amino acid position is highly conserved in available vertebrate species. In addition, the in silico prediction for this alteration is inconclusive. Since supporting evidence is limited at this time, the clinical significance of this alteration remains unclear.

GeneDx
Classification: Uncertain significance. Last evaluated: 2023-03-30. Review status: criteria provided, single submitter. Criteria: GeneDx Variant Classification Process June 2021. Collection method: clinical testing. Allele origin: germline. Affected: yes.
Comment: Not observed at significant frequency in large population cohorts (gnomAD); In silico analysis supports that this missense variant does not alter protein structure/function; Has not been previously published as pathogenic or benign to our knowledge; This variant is associated with the following publications: (PMID: 25486365, 2121369, 22807134)

Genome-Nilou Lab
Classification: Uncertain significance for Neurofibromatosis, type 1. Last evaluated: 2022-03-15. Review status: criteria provided, single submitter. Criteria: ACMG Guidelines, 2015. Collection method: clinical testing. Allele origin: germline. Affected: no.